The following is an entry in ClinVar:

ClinVar aggregate classification (germline): Uncertain significance (1 of 4 stars; one submission).

Submission:

Labcorp Genetics (formerly Invitae), Labcorp
Classification: Uncertain significance. Last evaluated: 2025-05-24. Review status: criteria provided, single submitter. Criteria: Invitae Variant Classification Sherloc (09022015). Collection method: clinical testing. Allele origin: germline.
Comment: This sequence change replaces glycine, which is neutral and non-polar, with valine, which is neutral and non-polar, at codon 152 of the KMT2A protein (p.Gly152Val). This variant is not present in population databases (gnomAD no frequency). This variant has not been reported in the literature in individuals affected with KMT2A-related conditions. Invitae Evidence Modeling of protein sequence and biophysical properties (such as structural, functional, and spatial information, amino acid conservation, physicochemical variation, residue mobility, and thermodynamic stability) has been performed for this missense variant. However, the output from this modeling did not meet the statistical confidence thresholds required to predict the impact of this variant on KMT2A protein function. In summary, the available evidence is currently insufficient to determine the role of this variant in disease. Therefore, it has been classified as a Variant of Uncertain Significance.

NM_001197104.2(KMT2A):c.455G>T (p.Gly152Val)

Gene: KMT2A (lysine methyltransferase 2A; plus strand). Cytogenetic location: 11q23.3.
Variant type: single nucleotide variant.
Coding change: c.455G>T on transcript NM_001197104.2 (MANE Select); coding-DNA position 455, G replaced by T.
Protein change: p.Gly152Val; replaces glycine 152 with valine.
Molecular consequence: missense variant.
Genome position (GRCh38, 1-based): chr11:118,468,797, G>T. VCF-style: chr11-118468797-G-T. GRCh37 (hg19) VCF-style: chr11-118339512-G-T.
Other names: c.554G>T, p.Gly185Val (NM_001412597.1); c.455G>T, p.Gly152Val (NM_005933.4); short protein forms G185V, G152V.
Identifiers: ClinVar variation 4773524 (VCV004773524.1).